The following is an entry in ClinVar:

ClinVar aggregate classification (germline): Conflicting classifications of pathogenicity. Review status: criteria provided, conflicting classifications (1 of 4 stars). 6 submissions from 6 submitters: Pathogenic (3); Likely pathogenic (2); Uncertain significance (1). Last evaluated 2026-02-24.

Conditions:
Galactosemia. Also called: Galactose intolerance. Identifiers: Orphanet 352, MedGen C0016952, MONDO:0018116, HP:0004919. Disease mechanism: loss of function.
Deficiency of UDPglucose-hexose-1-phosphate uridylyltransferase. Also called: GALT deficiency; Galactosemia, classic; Transferase Deficiency Galactosemia; GALACTOSEMIA I; GALACTOSE-1-PHOSPHATE URIDYLYLTRANSFERASE DEFICIENCY. Identifiers: Orphanet 352, Orphanet 79239, MedGen C0268151, MONDO:0009258, OMIM 230400.

Allele frequency attached by ClinVar (database versions not stated): gnomAD 0.00001.

Submissions (6):

Myriad Genetics, Inc.
Classification: Uncertain significance for Deficiency of UDPglucose-hexose-1-phosphate uridylyltransferase. Last evaluated: 2026-02-24. Review status: criteria provided, single submitter. Criteria: Myriad Autosomal Dominant, Autosomal Recessive and X-Linked Classification Criteria (2023). Collection method: clinical testing. Allele origin: unknown.
Comment: NM_000155.3(GALT):c.396C>A(H132Q) is a missense variant classified as a variant of uncertain significance in the context of galactosemia. H132Q has been observed in cases with relevant disease (PMID: 22944367, 22461411, 19224951). Relevant functional assessments of this variant are not available in the literature. H132Q has been observed in referenced population frequency databases. In summary, there is insufficient evidence to classify NM_000155.3(GALT):c.396C>A(H132Q) as pathogenic or benign. Please note: this variant was assessed in the context of healthy population screening.

Natera, Inc.
Classification: Likely pathogenic for Galactosemia. Last evaluated: 2025-02-24. Review status: criteria provided, single submitter. Criteria: Natera Variant Classification Schema (03/2026). Collection method: clinical testing. Allele origin: germline.
Comment: The c.396C>A variant in GALT is a missense variant predicted to cause substitution of histidine to glutamine at amino acid 132. This variant is rare in the general population with a frequency below the threshold expected for the associated phenotype(s). This variant has been observed in one or more individuals affected with the associated recessive disease, as either homozygous or compound heterozygous with a second variant (PMID: 22944367). This variant has been identified in one or more affected individuals with a phenotype highly consistent with the associated gene (PMID: 22944367). Computational prediction algorithms indicate this variant is likely to affect gene or protein function. Given the available evidence, this variant is classified as Likely Pathogenic.

Labcorp Genetics (formerly Invitae), Labcorp
Classification: Pathogenic for Deficiency of UDPglucose-hexose-1-phosphate uridylyltransferase. Last evaluated: 2024-06-26. Review status: criteria provided, single submitter. Criteria: Invitae Variant Classification Sherloc (09022015). Collection method: clinical testing. Allele origin: germline.
Comment: This sequence change replaces histidine, which is basic and polar, with glutamine, which is neutral and polar, at codon 132 of the GALT protein (p.His132Gln). This variant is present in population databases (rs367543256, gnomAD 0.004%). This missense change has been observed in individual(s) with galactosemia (PMID: 22461411, 22944367, 28649529; Invitae). ClinVar contains an entry for this variant (Variation ID: 25170). Advanced modeling of protein sequence and biophysical properties (such as structural, functional, and spatial information, amino acid conservation, physicochemical variation, residue mobility, and thermodynamic stability) performed at Invitae indicates that this missense variant is expected to disrupt GALT protein function with a positive predictive value of 95%. Experimental studies have shown that this missense change affects GALT function (PMID: 22461411). For these reasons, this variant has been classified as Pathogenic.

Fulgent Genetics
Classification: Pathogenic for Deficiency of UDPglucose-hexose-1-phosphate uridylyltransferase. Last evaluated: 2024-06-20. Review status: criteria provided, single submitter. Criteria: ACMG Guidelines, 2015. Collection method: clinical testing. Allele origin: germline.

Women's Health and Genetics/Laboratory Corporation of America, LabCorp
Classification: Pathogenic for Deficiency of UDPglucose-hexose-1-phosphate uridylyltransferase. Last evaluated: 2022-05-02. Review status: criteria provided, single submitter. Criteria: LabCorp Variant Classification Summary - May 2015. Collection method: clinical testing. Allele origin: germline.
Comment: Variant summary: GALT c.396C>A (p.His132Gln) results in a non-conservative amino acid change located in the Galactose-1-phosphate uridyl transferase, N-terminal domain (IPR005849) of the encoded protein sequence. Five of five in-silico tools predict a damaging effect of the variant on protein function. The variant allele was found at a frequency of 4e-06 in 251696 control chromosomes (gnomAD and publication data). c.396C>A has been reported in the literature in compound heterozygous individuals affected with Galactosemia (Carney_2009, Tang_2012, Boutron_2012, Cocanougher_2015). These data indicate that the variant is likely to be associated with disease. At least one functional study showed this variant disrupts the active site of the enzyme and results in in active enzyme (Tang_2012). Two ClinVar submitters (evaluation after 2014) cite the variant as pathogenic and likely pathogenic. Based on the evidence outlined above, the variant was classified as pathogenic.

Eurofins Ntd Llc (ga)
Classification: Likely pathogenic. Last evaluated: 2015-09-25. Review status: criteria provided, single submitter. Criteria: EGL Classification Definitions 2015. Collection method: clinical testing. Allele origin: germline. Observed: 1 variant allele, 1 heterozygote.

Literature cited by the submitters: PubMed 19224951 (cited by Myriad Genetics, Inc. and Women's Health and Genetics/Laboratory Corporation of America, LabCorp); PubMed 22461411 (cited by 3 submitters); PubMed 22944367 (cited by 4 submitters); PubMed 28649529 (cited by Labcorp Genetics (formerly Invitae), Labcorp and Women's Health and Genetics/Laboratory Corporation of America, LabCorp); PubMed 27308838 (cited by Women's Health and Genetics/Laboratory Corporation of America, LabCorp).

NM_000155.4(GALT):c.396C>A (p.His132Gln)

Gene: GALT (galactose-1-phosphate uridylyltransferase; plus strand). Cytogenetic location: 9p13.3.
Variant type: single nucleotide variant.
Coding change: c.396C>A on transcript NM_000155.4 (MANE Select); coding-DNA position 396, C replaced by A.
Protein change: p.His132Gln; replaces histidine 132 with glutamine.
Molecular consequence: missense variant.
Genome position (GRCh38, 1-based): chr9:34,647,850, C>A. VCF-style: chr9-34647850-C-A. GRCh37 (hg19) VCF-style: chr9-34647847-C-A.
Other names: c.69C>A, p.His23Gln (NM_001258332.2); short protein forms H23Q.
Identifiers: ClinVar variation 25170 (VCV000025170.19), dbSNP rs367543256, ClinGen allele CA259383.